The following is an entry in ClinVar:

ClinVar aggregate classification (germline): Pathogenic (1 of 4 stars; one submission).

Conditions:
Hereditary sensory and autonomic neuropathy type 6. Also called: HSAN VI; Neuropathy, hereditary sensory and autonomic, type VI. Identifiers: Orphanet 314381, MedGen C3539003, MONDO:0013839, OMIM 614653.
Epidermolysis bullosa simplex 3, localized or generalized intermediate, with BP230 deficiency (EBS3). Also called: Epidermolysis bullosa simplex due to BP230 deficiency; Epidermolysis bullosa simplex, autosomal recessive 2. Identifiers: Orphanet 412181, MedGen C3809470, MONDO:0014180, OMIM 615425.

Submission:

Labcorp Genetics (formerly Invitae), Labcorp
Classification: Pathogenic for Epidermolysis bullosa simplex 3, localized or generalized intermediate, with BP230 deficiency; Hereditary sensory and autonomic neuropathy type 6. Last evaluated: 2023-03-29. Review status: criteria provided, single submitter. Criteria: Invitae Variant Classification Sherloc (09022015). Collection method: clinical testing. Allele origin: germline.
Comment: For these reasons, this variant has been classified as Pathogenic. This variant has not been reported in the literature in individuals affected with DST-related conditions. This variant is not present in population databases (gnomAD no frequency). This sequence change creates a premature translational stop signal (p.Gln634*) in the DST gene. It is expected to result in an absent or disrupted protein product. Loss-of-function variants in DST are known to be pathogenic (PMID: 22522446, 25059916, 30371979).

Literature cited by the submitters: PubMed 22522446; PubMed 25059916; PubMed 30371979.

NM_001374736.1(DST):c.3511C>T (p.Gln1171Ter)

Gene: DST (dystonin; minus strand). Cytogenetic location: 6p12.1.
Variant type: single nucleotide variant.
Coding change: c.3511C>T on transcript NM_001374736.1 (MANE Select); coding-DNA position 3511, C replaced by T.
Protein change: p.Gln1171Ter; replaces glutamine 1171 with a stop codon.
Molecular consequence: nonsense.
Genome position (GRCh38, 1-based): chr6:56,634,242, G>A on the plus strand (C>T on the coding strand, the complement: DST is on the minus strand). VCF-style: chr6-56634242-G-A. GRCh37 (hg19) VCF-style: chr6-56499040-G-A.
Other names: c.3412C>T, p.Gln1138Ter (NM_001144769.5); c.2998C>T, p.Gln1000Ter (NM_001144770.2); c.3511C>T, p.Gln1171Ter (NM_001374722.1); c.2878C>T, p.Gln960Ter (NM_001374729.1, NM_001374730.1, NM_001386100.1 and 1 more transcripts); c.3538C>T, p.Gln1180Ter (NM_001374734.1); c.1900C>T, p.Gln634Ter (NM_001723.7, NM_015548.5); short protein forms Q1138*, Q1180*, Q1000*, Q634*, Q1171*, Q960*.
Identifiers: ClinVar variation 2945934 (VCV002945934.3), dbSNP rs2537038799, ClinGen allele CA364575769.